The following is an entry in ClinVar:

ClinVar aggregate classification (germline): Uncertain significance (1 of 4 stars; one submission).

Conditions:
Hereditary cancer-predisposing syndrome. Also called: Neoplastic Syndromes, Hereditary; Tumor predisposition; Hereditary Cancer Syndrome; Hereditary neoplastic syndrome. Identifiers: Orphanet 140162, MedGen C0027672, MeSH D009386, MONDO:0015356.

Submission:

Ambry Genetics
Classification: Uncertain significance for Hereditary cancer-predisposing syndrome. Last evaluated: 2021-06-07. Review status: criteria provided, single submitter. Criteria: Ambry Variant Classification Scheme 2023. Collection method: clinical testing. Allele origin: germline.
Comment: The c.9341_9343delTTA variant (also known as p.I3114DEL) is located in coding exon 24 of the BRCA2 gene. This variant results from an in-frame deletion of 3 nucleotides (TTA) between nucleotide positions 9341 and 9343, causing the removal of an isoleucine residue at codon 31114. This amino acid position is not well conserved in available vertebrate species. Since supporting evidence is limited at this time, the clinical significance of this alteration remains unclear.

NM_000059.4(BRCA2):c.9338TTA[1] (p.Ile3114del)

Gene: BRCA2 (BRCA2 DNA repair associated; plus strand). Cytogenetic location: 13q13.1.
Variant type: Microsatellite.
Coding change: c.9338TTA[1] on transcript NM_000059.4 (MANE Select); one copy of the 3-base unit TTA starting at c.9338; the reference has two copies in a row; one copy, 3 bases deleted.
Protein change: p.Ile3114del; deletes isoleucine 3114.
Molecular consequence: inframe deletion.
Genome position (GRCh38, 1-based): chr13:32,394,773-32,394,775, TTA deleted; deleting any 3 consecutive bases within chr13:32,394,769-32,394,775 gives the same sequence; the position shown is the placement nearest the transcript's 3' end. VCF-style (leftmost placement, unchanged base first): chr13-32394768-CATT-C. GRCh37 (hg19) VCF-style: chr13-32968905-CATT-C.
Other names: c.9341_9343delTTA (NM_000059.3); short protein forms I3114del.
Identifiers: ClinVar variation 233823 (VCV000233823.5), dbSNP rs876660664, ClinGen allele CA10579827.